The following is an entry in ClinVar:

ClinVar aggregate classification (germline): Likely pathogenic (1 of 4 stars; one submission).

Submission:

CeGaT Center for Human Genetics Tuebingen
Classification: Likely pathogenic. Last evaluated: 2024-01-01. Review status: criteria provided, single submitter. Criteria: CeGaT Center For Human Genetics Tuebingen Variant Classification Criteria Version 2. Collection method: clinical testing. Allele origin: germline. Affected: yes. Observed: 1 variant allele.
Comment: DSG2: PVS1:Strong, PM2

NM_001943.5(DSG2):c.405del (p.Gly136fs)

Gene: DSG2 (desmoglein 2; plus strand). Cytogenetic location: 18q12.1.
Variant type: Deletion.
Coding change: c.405del on transcript NM_001943.5 (MANE Select); coding-DNA position 405, one base deleted (A; older notation c.405delA).
Protein change: p.Gly136fs; shifts the reading frame from glycine 136.
Molecular consequence: frameshift variant.
Genome position (GRCh38, 1-based): chr18:31,521,125, A deleted. VCF-style (leftmost placement, unchanged base first): chr18-31521124-GA-G. GRCh37 (hg19) VCF-style: chr18-29101087-GA-G.
Other names: short protein forms G136fs.
Identifiers: ClinVar variation 3026868 (VCV003026868.22), dbSNP rs2510911038, ClinGen allele CA2740093996.
Genomic context (GRCh38, chr18:31,521,124, plus strand): 5'-GCTTAAATCTAATCTTATTTATGTCATGATTTCAGCTAACAGGTTACGCTTTGGATGCAA[GA>G]GGAAACAATGTAGAGAAACCCTTAGAGCTACGCATTAAGGTTCTTGATATCAATGACAAC-3'